The following is an entry in ClinVar:

NM_000525.4(KCNJ11):c.1077G>A (p.Leu359=)

Gene: KCNJ11 (potassium inwardly rectifying channel subfamily J member 11; minus strand). Cytogenetic location: 11p15.1.
Variant type: single nucleotide variant.
Coding change: c.1077G>A on transcript NM_000525.4 (MANE Select); coding-DNA position 1077, G replaced by A.
Protein change: p.Leu359=; no amino-acid change (leucine 359 retained).
Molecular consequence: synonymous variant.
Genome position (GRCh38, 1-based): chr11:17,387,015, C>T on the plus strand (G>A on the coding strand, the complement: KCNJ11 is on the minus strand). VCF-style: chr11-17387015-C-T. GRCh37 (hg19) VCF-style: chr11-17408562-C-T.
Other names: c.816G>A, p.Leu272= (NM_001166290.2, NM_001377296.1, NM_001377297.1).
Identifiers: ClinVar variation 795264 (VCV000795264.10), dbSNP rs777788092, ClinGen allele CA5902189.

ClinVar aggregate classification (germline): Conflicting classifications of pathogenicity. Review status: criteria provided, conflicting classifications (1 of 4 stars). 2 submissions from 2 submitters: Uncertain significance (1); Likely benign (1). Last evaluated 2024-02-15.

Conditions:
Maturity-onset diabetes of the young (MODY). Also called: Maturity onset diabetes mellitus in young. Identifiers: Orphanet 552, MedGen C0342276, MONDO:0018911, HP:0004904.

Allele frequency attached by ClinVar (database versions not stated): gnomAD 0.00001; gnomAD exomes 0.00001 and 0.00003; TOPMed 0.00001; ExAC 0.00002.

Submissions (2):

Labcorp Genetics (formerly Invitae), Labcorp
Classification: Likely benign. Last evaluated: 2024-02-15. Review status: criteria provided, single submitter. Criteria: Invitae Variant Classification Sherloc (09022015). Collection method: clinical testing. Allele origin: germline.

Clinical Genomics, Uppaluri K&H Personalized Medicine Clinic
Classification: Uncertain significance for Maturity-onset diabetes of the young. Review status: criteria provided, single submitter. Criteria: K & H Uppaluri Personalized Medicine Clinic Variant Classification & Assertion Criteria_Updated V.1. Collection method: research. Allele origin: somatic. Inheritance: Autosomal dominant inheritance.
Comment: Mutations in KCNJ11 gene can cause decreased production and secretion of insulin. This can lead to MODY which may be responsive to oral sulfonylureas. It is also associated with Neonatal Diabetes. However, no sufficient evidence is found to ascertain the role of this particular variant (rs777788092) in MODY yet.

Literature cited by the submitters: PubMed 26448950 (cited by Clinical Genomics, Uppaluri K&H Personalized Medicine Clinic); PubMed 15580558 (cited by Clinical Genomics, Uppaluri K&H Personalized Medicine Clinic); PubMed 15718250 (cited by Clinical Genomics, Uppaluri K&H Personalized Medicine Clinic); PubMed 32935446 (cited by Clinical Genomics, Uppaluri K&H Personalized Medicine Clinic); PubMed 22701567 (cited by Clinical Genomics, Uppaluri K&H Personalized Medicine Clinic).